The following is an entry in ClinVar:

ClinVar aggregate classification (germline): Benign. Review status: criteria provided, multiple submitters, no conflicts (2 of 4 stars). 2 submissions from 2 submitters: Benign (2). Last evaluated 2018-06-20.

Allele frequency attached by ClinVar (database versions not stated): 1000 Genomes Project 30x 0.08620; 1000 Genomes Project 0.08786; TOPMed 0.09122; gnomAD 0.09708 and 0.09766.
gnomAD v4.1: 14,900 of 152,226 alleles (9.8%); highest among the groups gnomAD compares: South Asian, 15%; 813 homozygotes.

Submissions (2):

GeneDx
Classification: Benign. Last evaluated: 2018-06-20. Review status: criteria provided, single submitter. Criteria: GeneDx Variant Classification (06012015). Collection method: clinical testing. Allele origin: germline. Affected: yes.
Comment: This variant is considered likely benign or benign based on one or more of the following criteria: it is a conservative change, it occurs at a poorly conserved position in the protein, it is predicted to be benign by multiple in silico algorithms, and/or has population frequency not consistent with disease.

Breakthrough Genomics
Classification: Benign. Review status: criteria provided, single submitter. Criteria: ACMG Guidelines, 2015. Collection method: not provided. Allele origin: germline. Inheritance: Autosomal recessive inheritance. Affected: yes.

NM_001365088.1(SLC12A6):c.316+204A>G

Gene: SLC12A6 (solute carrier family 12 member 6; minus strand). Cytogenetic location: 15q14.
Variant type: single nucleotide variant.
Coding change: c.316+204A>G on transcript NM_001365088.1 (MANE Select); 204 bases into the intron after coding-DNA position 316, A replaced by G.
Molecular consequence: intron variant.
Genome position (GRCh38, 1-based): chr15:34,275,141, T>C on the plus strand (A>G on the coding strand, the complement: SLC12A6 is on the minus strand). VCF-style: chr15-34275141-T-C. GRCh37 (hg19) VCF-style: chr15-34567342-T-C.
Other names: c.139+204A>G (NM_001042495.2, NM_001042494.2); c.289+204A>G (NM_001042496.2); c.272-14121A>G (NM_001042497.2); c.316+204A>G (NM_133647.2); c.163+204A>G (NM_005135.2).
Identifiers: ClinVar variation 671716 (VCV000671716.2), dbSNP rs11638909, ClinGen allele CA268653694.